The following is an entry in ClinVar:

NM_003590.5(CUL3):c.*2653G>A

Gene: CUL3 (cullin 3; minus strand). Cytogenetic location: 2q36.2.
Variant type: single nucleotide variant.
Coding change: c.*2653G>A on transcript NM_003590.5 (MANE Select); 2653 bases downstream of the stop codon, G replaced by A.
Molecular consequence: 3 prime UTR variant.
Genome position (GRCh38, 1-based): chr2:224,471,592, C>T on the plus strand (G>A on the coding strand, the complement: CUL3 is on the minus strand). VCF-style: chr2-224471592-C-T. GRCh37 (hg19) VCF-style: chr2-225336309-C-T.
Other names: c.*2653G>A (NM_001257197.2, NM_001257198.2).
Identifiers: ClinVar variation 334594 (VCV000334594.7), dbSNP rs3768899, ClinGen allele CA10612918.

ClinVar aggregate classification (germline): Benign. Review status: criteria provided, multiple submitters, no conflicts (2 of 4 stars). 2 submissions from 2 submitters: Benign (2). Last evaluated 2018-01-13.

Conditions:
Pseudohypoaldosteronism type 2E (PHA2E). Also called: Pseudohypoaldosteronism Type IIE. Identifiers: Orphanet 300530, Orphanet 757, MedGen C3469606, MONDO:0013782, OMIM 614496.

Allele frequency attached by ClinVar (database versions not stated): gnomAD exomes 0.16397; gnomAD 0.18168 and 0.18481; TOPMed 0.19069; 1000 Genomes Project 30x 0.23204; 1000 Genomes Project 0.23283.
gnomAD v4.1: 36,358 of 203,040 alleles (18%); highest among the groups gnomAD compares: East Asian, 28%; 3,723 homozygotes.

Submissions (2):

Illumina Laboratory Services, Illumina
Classification: Benign for Pseudohypoaldosteronism type 2E. Last evaluated: 2018-01-13. Review status: criteria provided, single submitter. Criteria: ICSL Variant Classification Criteria 13 December 2019. Collection method: clinical testing. Allele origin: germline.
Comment: This variant was observed in the ICSL laboratory as part of a predisposition screen in an ostensibly healthy population. It had not been previously curated by ICSL or reported in the Human Gene Mutation Database (HGMD: prior to June 1st, 2018), and was therefore a candidate for classification through an automated scoring system. Utilizing variant allele frequency, disease prevalence and penetrance estimates, and inheritance mode, an automated score was calculated to assess if this variant is too frequent to cause the disease. Based on the score and internal cut-off values, a variant classified as benign is not then subjected to further curation. The score for this variant resulted in a classification of benign for this disease.

Breakthrough Genomics
Classification: Benign. Review status: criteria provided, single submitter. Criteria: ACMG Guidelines, 2015. Collection method: not provided. Allele origin: germline. Inheritance: Autosomal dominant inheritance. Affected: yes.